The following is an entry in ClinVar:

ClinVar aggregate classification (germline): Uncertain significance (1 of 4 stars; one submission).

Conditions:
Hereditary spastic paraplegia 4. Also called: Spastic Paraplegia 4; Spastic paraplegia 4, autosomal dominant; Familial spastic paraplegia autosomal dominant 2. Identifiers: Orphanet 100985, MedGen C1866855, MONDO:0008438, OMIM 182601.

gnomAD v4.1: 1 of 1,608,238 alleles (0.000062%); highest among the groups gnomAD compares: African/African-American, 0.0013%; no homozygotes.

Submission:

Labcorp Genetics (formerly Invitae), Labcorp
Classification: Uncertain significance for Hereditary spastic paraplegia 4. Last evaluated: 2025-09-24. Review status: criteria provided, single submitter. Criteria: Invitae Variant Classification Sherloc (09022015). Collection method: clinical testing. Allele origin: germline.
Comment: This sequence change replaces alanine, which is neutral and non-polar, with threonine, which is neutral and polar, at codon 39 of the SPAST protein (p.Ala39Thr). This variant is not present in population databases (gnomAD no frequency). This variant has not been reported in the literature in individuals affected with SPAST-related conditions. Invitae Evidence Modeling of protein sequence and biophysical properties (such as structural, functional, and spatial information, amino acid conservation, physicochemical variation, residue mobility, and thermodynamic stability) has been performed for this missense variant. However, the output from this modeling did not meet the statistical confidence thresholds required to predict the impact of this variant on SPAST protein function. In summary, the available evidence is currently insufficient to determine the role of this variant in disease. Therefore, it has been classified as a Variant of Uncertain Significance.

NM_014946.4(SPAST):c.115G>A (p.Ala39Thr)

Gene: SPAST (spastin; plus strand). Cytogenetic location: 2p22.3.
Variant type: single nucleotide variant.
Coding change: c.115G>A on transcript NM_014946.4 (MANE Select); coding-DNA position 115, G replaced by A.
Protein change: p.Ala39Thr; replaces alanine 39 with threonine.
Molecular consequence: missense variant.
Genome position (GRCh38, 1-based): chr2:32,063,946, G>A. VCF-style: chr2-32063946-G-A. GRCh37 (hg19) VCF-style: chr2-32289015-G-A.
Other names: c.115G>A, p.Ala39Thr (NM_001363823.2, NM_001363875.2, NM_001377959.1 and 1 more transcripts); short protein forms A39T.
Identifiers: ClinVar variation 4810150 (VCV004810150.1).